The following is an entry in ClinVar:

NM_019044.5(CCDC93):c.683C>T (p.Pro228Leu)

Gene: CCDC93 (CCC complex scaffolding subunit CCDC93; minus strand). Cytogenetic location: 2q14.1.
Variant type: single nucleotide variant.
Coding change: c.683C>T on transcript NM_019044.5 (MANE Select); coding-DNA position 683, C replaced by T.
Protein change: p.Pro228Leu; replaces proline 228 with leucine.
Molecular consequence: missense variant.
Genome position (GRCh38, 1-based): chr2:117,975,255, G>A on the plus strand (C>T on the coding strand, the complement: CCDC93 is on the minus strand). VCF-style: chr2-117975255-G-A. GRCh37 (hg19) VCF-style: chr2-118732831-G-A.
Other names: short protein forms P228L.
Identifiers: ClinVar variation 1271261 (VCV001271261.2), dbSNP rs17512204, ClinGen allele CA1844740.

ClinVar aggregate classification (germline): Benign. Review status: criteria provided, multiple submitters, no conflicts (2 of 4 stars). 2 submissions from 2 submitters: Benign (2). Last evaluated 2021-02-23.

Allele frequency attached by ClinVar (database versions not stated): 1000 Genomes Project 30x 0.02733; 1000 Genomes Project 0.02796; TOPMed 0.04808; gnomAD 0.05283 and 0.05289; gnomAD exomes 0.05642 and 0.07374; ExAC 0.05718; ESP Exome Variant Server 0.05820.
gnomAD v4.1: 115,594 of 1,612,948 alleles (7.2%); highest among the groups gnomAD compares: Non-Finnish European, 8.1%; 4,685 homozygotes.

Submissions (2):

GeneDx
Classification: Benign. Last evaluated: 2021-02-23. Review status: criteria provided, single submitter. Criteria: GeneDx Variant Classification Process June 2021. Collection method: clinical testing. Allele origin: germline. Affected: yes.
Comment: This variant is associated with the following publications: (PMID: 31630160)

Breakthrough Genomics
Classification: Benign. Review status: criteria provided, single submitter. Criteria: ACMG Guidelines, 2015. Collection method: not provided. Allele origin: germline. Inheritance: Unknown mechanism. Affected: yes.